The following is an entry in ClinVar:

ClinVar aggregate classification (germline): Uncertain significance (1 of 4 stars; one submission).

Conditions:
Hereditary cancer-predisposing syndrome. Also called: Hereditary Cancer Syndrome; Hereditary neoplastic syndrome; Tumor predisposition; Neoplastic Syndromes, Hereditary. Identifiers: Orphanet 140162, MedGen C0027672, MeSH D009386, MONDO:0015356.

Submission:

Ambry Genetics
Classification: Uncertain significance for Hereditary cancer-predisposing syndrome. Last evaluated: 2021-02-01. Review status: criteria provided, single submitter. Criteria: Ambry Variant Classification Scheme 2023. Collection method: clinical testing. Allele origin: germline.
Comment: The p.K83T variant (also known as c.248A>C), located in coding exon 3 of the TSC2 gene, results from an A to C substitution at nucleotide position 248. The lysine at codon 83 is replaced by threonine, an amino acid with similar properties. This amino acid position is not well conserved in available vertebrate species. In addition, this alteration is predicted to be tolerated by in silico analysis. Since supporting evidence is limited at this time, the clinical significance of this alteration remains unclear.

NM_000548.5(TSC2):c.248A>C (p.Lys83Thr)

Gene: TSC2 (TSC complex subunit 2; plus strand). Cytogenetic location: 16p13.3.
Variant type: single nucleotide variant.
Coding change: c.248A>C on transcript NM_000548.5 (MANE Select); coding-DNA position 248, A replaced by C.
Protein change: p.Lys83Thr; replaces lysine 83 with threonine.
Molecular consequence: missense variant. On other transcripts: intron variant (2).
Genome position (GRCh38, 1-based): chr16:2,053,364, A>C. VCF-style: chr16-2053364-A-C. GRCh37 (hg19) VCF-style: chr16-2103365-A-C.
Other names: c.248A>C, p.Lys83Thr (NM_001077183.3, NM_001114382.3, NM_001363528.2 and 10 more transcripts); c.101A>C, p.Lys34Thr (NM_001318829.2, NM_001406675.1, NM_001406676.1 and 2 more transcripts); c.281A>C, p.Lys94Thr (NM_001318832.2); c.-569A>C (NM_001406680.1, NM_001406683.1, NM_001406687.1); c.-198A>C (NM_001406681.1); c.-1184A>C (NM_001406689.1, NM_001406690.1, NM_001406691.1 and 2 more transcripts); c.-1490A>C (NM_001406693.1); c.-1065A>C (NM_001406694.1, NM_001406695.1); and 4 more; short protein forms K34T, K94T, K83T.
Identifiers: ClinVar variation 1792036 (VCV001792036.2), dbSNP rs1267562998, ClinGen allele CA394305515.